The following is an entry in ClinVar:

NM_001347721.2(DYRK1A):c.1886A>G (p.Asn629Ser)

Gene: DYRK1A (dual specificity tyrosine phosphorylation regulated kinase 1A; plus strand). Cytogenetic location: 21q22.13.
Variant type: single nucleotide variant.
Coding change: c.1886A>G on transcript NM_001347721.2 (MANE Select); coding-DNA position 1886, A replaced by G.
Protein change: p.Asn629Ser; replaces asparagine 629 with serine.
Molecular consequence: missense variant. On other transcripts: 3 prime UTR variant (2).
Genome position (GRCh38, 1-based): chr21:37,512,152, A>G. VCF-style: chr21-37512152-A-G. GRCh37 (hg19) VCF-style: chr21-38884455-A-G.
Other names: c.1886A>G, p.Asn629Ser (NM_001347722.2, NM_130436.2); c.1799A>G, p.Asn600Ser (NM_001347723.2); c.1913A>G, p.Asn638Ser (NM_001396.5); c.*289A>G (NM_101395.2); c.*198A>G (NM_130438.2); short protein forms N600S, N629S, N638S.
Identifiers: ClinVar variation 1958319 (VCV001958319.5), dbSNP rs775938240, ClinGen allele CA10024130.
Genomic context (GRCh38, chr21:37,512,152, plus strand): 5'-ACCATGGACAACAAGCCTTGGGTAACCGGACCAGGCCAAGGGTCTACAATTCTCCAACGA[A>G]TAGCTCCTCTACCCAAGATTCTATGGAGGTTGGCCACAGTCACCACTCCATGACATCCCT-3'
Protein context (NP_001334650.1, residues 619-639): TRPRVYNSPT[Asn629Ser]SSSTQDSMEV

ClinVar aggregate classification (germline): Uncertain significance (1 of 4 stars; one submission).

Conditions:
DYRK1A-related intellectual disability syndrome (MRD7). Also called: Intellectual developmental disorder, autosomal dominant 7; DYRK1A Syndrome. Identifiers: Orphanet 464306, MedGen C5568143, MONDO:0013578, OMIM 614104.

Allele frequency attached by ClinVar (database versions not stated): gnomAD 0.00001; gnomAD exomes 0.00001; TOPMed 0.00001; ExAC 0.00004.
gnomAD v4.1: 19 of 1,614,058 alleles (0.0012%); highest among the groups gnomAD compares: Non-Finnish European, 0.0015%; no homozygotes.

Submission:

Labcorp Genetics (formerly Invitae), Labcorp
Classification: Uncertain significance for DYRK1A-related intellectual disability syndrome. Last evaluated: 2022-10-14. Review status: criteria provided, single submitter. Criteria: Invitae Variant Classification Sherloc (09022015). Collection method: clinical testing. Allele origin: germline.
Comment: In summary, the available evidence is currently insufficient to determine the role of this variant in disease. Therefore, it has been classified as a Variant of Uncertain Significance. Algorithms developed to predict the effect of missense changes on protein structure and function (SIFT, PolyPhen-2, Align-GVGD) all suggest that this variant is likely to be tolerated. This variant has not been reported in the literature in individuals affected with DYRK1A-related conditions. This variant is present in population databases (rs775938240, gnomAD 0.005%). This sequence change replaces asparagine, which is neutral and polar, with serine, which is neutral and polar, at codon 638 of the DYRK1A protein (p.Asn638Ser).